The following is an entry in ClinVar:

ClinVar aggregate classification (germline): Benign. Review status: criteria provided, multiple submitters, no conflicts (2 of 4 stars). 2 submissions from 2 submitters: Benign (2). Last evaluated 2018-06-19.

Allele frequency attached by ClinVar (database versions not stated): gnomAD exomes 0.36202 and 0.36468; ExAC 0.36385; gnomAD 0.39026 and 0.39251; 1000 Genomes Project 0.39297; 1000 Genomes Project 30x 0.39725; TOPMed 0.40321.
gnomAD v4.1: 205,837 of 556,766 alleles (37%); highest among the groups gnomAD compares: African/African-American, 48%; 39,062 homozygotes.

Submissions (2):

GeneDx
Classification: Benign. Last evaluated: 2018-06-19. Review status: criteria provided, single submitter. Criteria: GeneDx Variant Classification (06012015). Collection method: clinical testing. Allele origin: germline. Affected: yes.
Comment: This variant is considered likely benign or benign based on one or more of the following criteria: it is a conservative change, it occurs at a poorly conserved position in the protein, it is predicted to be benign by multiple in silico algorithms, and/or has population frequency not consistent with disease.

Breakthrough Genomics
Classification: Benign. Review status: criteria provided, single submitter. Criteria: ACMG Guidelines, 2015. Collection method: not provided. Allele origin: germline. Inheritance: Autosomal recessive inheritance. Affected: yes.

NM_006329.4(FBLN5):c.990-274T>C

Gene: FBLN5 (fibulin 5; minus strand). Cytogenetic location: 14q32.12.
Variant type: single nucleotide variant.
Coding change: c.990-274T>C on transcript NM_006329.4 (MANE Select); 274 bases into the intron before coding-DNA position 990, T replaced by C.
Molecular consequence: intron variant.
Genome position (GRCh38, 1-based): chr14:91,877,956, A>G on the plus strand (T>C on the coding strand, the complement: FBLN5 is on the minus strand). VCF-style: chr14-91877956-A-G. GRCh37 (hg19) VCF-style: chr14-92344300-A-G.
Other names: c.990-274T>C (NM_001384160.1); c.1113-274T>C (NM_001384158.1); c.822-274T>C (NM_001384162.1, NM_001384161.1); c.1041-274T>C (NM_001384159.1).
Identifiers: ClinVar variation 683518 (VCV000683518.2), dbSNP rs2498847, ClinGen allele CA7312658.